The following is an entry in ClinVar:

ClinVar aggregate classification (germline): Uncertain significance. Review status: criteria provided, multiple submitters, no conflicts (2 of 4 stars). 4 submissions from 4 submitters: Uncertain significance (4). Last evaluated 2025-02-15.

Conditions:
Sessile serrated polyposis cancer syndrome (SSPCS). Identifiers: Orphanet 157798, MedGen C4310714, MONDO:0014919, OMIM 617108.

Allele frequency attached by ClinVar (database versions not stated): gnomAD exomes below 0.00001; ExAC 0.00001.
gnomAD v4.1: 7 of 1,610,594 alleles (0.00043%); highest among the groups gnomAD compares: East Asian, 0.013%; no homozygotes.

Submissions (4):

Ambry Genetics
Classification: Uncertain significance. Last evaluated: 2025-02-15. Review status: criteria provided, single submitter. Criteria: Ambry Variant Classification Scheme 2023. Collection method: clinical testing. Allele origin: germline.
Comment: The p.A126V variant (also known as c.377C>T), located in coding exon 3 of the RNF43 gene, results from a C to T substitution at nucleotide position 377. The alanine at codon 126 is replaced by valine, an amino acid with similar properties. This amino acid position is conserved. In addition, this alteration is predicted to be tolerated by in silico analysis. Based on the available evidence, the clinical significance of this variant remains unclear.

Labcorp Genetics (formerly Invitae), Labcorp
Classification: Uncertain significance. Last evaluated: 2024-10-28. Review status: criteria provided, single submitter. Criteria: Invitae Variant Classification Sherloc (09022015). Collection method: clinical testing. Allele origin: germline.
Comment: This sequence change replaces alanine, which is neutral and non-polar, with valine, which is neutral and non-polar, at codon 126 of the RNF43 protein (p.Ala126Val). This variant is present in population databases (rs778962170, gnomAD 0.006%). This variant has not been reported in the literature in individuals affected with RNF43-related conditions. ClinVar contains an entry for this variant (Variation ID: 1056130). An algorithm developed to predict the effect of missense changes on protein structure and function (PolyPhen-2) suggests that this variant is likely to be disruptive. In summary, the available evidence is currently insufficient to determine the role of this variant in disease. Therefore, it has been classified as a Variant of Uncertain Significance.

Fulgent Genetics
Classification: Uncertain significance for Sessile serrated polyposis cancer syndrome. Last evaluated: 2024-04-24. Review status: criteria provided, single submitter. Criteria: ACMG Guidelines, 2015. Collection method: clinical testing. Allele origin: germline.

Baylor Genetics
Classification: Uncertain significance for Sessile serrated polyposis cancer syndrome. Last evaluated: 2023-05-05. Review status: criteria provided, single submitter. Criteria: ACMG Guidelines, 2015. Collection method: clinical testing. Allele origin: unknown.

NM_017763.6(RNF43):c.377C>T (p.Ala126Val)

Gene: RNF43 (ring finger protein 43; minus strand). Cytogenetic location: 17q22.
Variant type: single nucleotide variant.
Coding change: c.377C>T on transcript NM_017763.6 (MANE Select); coding-DNA position 377, C replaced by T.
Protein change: p.Ala126Val; replaces alanine 126 with valine.
Molecular consequence: missense variant.
Genome position (GRCh38, 1-based): chr17:58,363,599, G>A on the plus strand (C>T on the coding strand, the complement: RNF43 is on the minus strand). VCF-style: chr17-58363599-G-A. GRCh37 (hg19) VCF-style: chr17-56440960-G-A.
Other names: c.377C>T (NM_017763.4); c.377C>T, p.Ala126Val (NM_001305544.3); c.-5C>T (NM_001305545.2); short protein forms A126V.
Identifiers: ClinVar variation 1056130 (VCV001056130.12), dbSNP rs778962170, ClinGen allele CA8673443.